The following is an entry in ClinVar:

ClinVar aggregate classification (germline): Uncertain significance (1 of 4 stars; one submission).

Allele frequency attached by ClinVar (database versions not stated): gnomAD exomes below 0.00001.
gnomAD v4.1: 1 of 1,613,908 alleles (0.000062%); highest among the groups gnomAD compares: South Asian, 0.0011%; no homozygotes.

Submission:

Labcorp Genetics (formerly Invitae), Labcorp
Classification: Uncertain significance. Last evaluated: 2021-01-13. Review status: criteria provided, single submitter. Criteria: Invitae Variant Classification Sherloc (09022015). Collection method: clinical testing. Allele origin: germline.
Comment: In summary, the available evidence is currently insufficient to determine the role of this variant in disease. Therefore, it has been classified as a Variant of Uncertain Significance. Advanced modeling of protein sequence and biophysical properties (such as structural, functional, and spatial information, amino acid conservation, physicochemical variation, residue mobility, and thermodynamic stability) performed at Invitae indicates that this missense variant is expected to disrupt ASNS protein function. This variant has not been reported in the literature in individuals with ASNS-related conditions. This variant is not present in population databases (ExAC no frequency). This sequence change replaces threonine with isoleucine at codon 408 of the ASNS protein (p.Thr408Ile). The threonine residue is highly conserved and there is a moderate physicochemical difference between threonine and isoleucine.

NM_001673.5(ASNS):c.1223C>T (p.Thr408Ile)

Genes: ASNS (asparagine synthetase (glutamine-hydrolyzing); minus strand), CZ1P-ASNS (CZ1P-ASNS readthrough; minus strand). Cytogenetic location: 7q21.3.
Variant type: single nucleotide variant.
Coding change: c.1223C>T on transcript NM_001673.5 (MANE Select); coding-DNA position 1223, C replaced by T.
Protein change: p.Thr408Ile; replaces threonine 408 with isoleucine.
Molecular consequence: missense variant. On other transcripts: non-coding transcript variant (1).
Genome position (GRCh38, 1-based): chr7:97,854,595, G>A on the plus strand (C>T on the coding strand, the complement: ASNS is on the minus strand). VCF-style: chr7-97854595-G-A. GRCh37 (hg19) VCF-style: chr7-97483907-G-A.
Other names: c.1160C>T, p.Thr387Ile (NM_001178075.2); c.974C>T, p.Thr325Ile (NM_001178076.2, NM_001178077.1); c.1223C>T, p.Thr408Ile (NM_001352496.2, NM_133436.3, NM_183356.4); short protein forms T408I, T387I, T325I.
Identifiers: ClinVar variation 1424906 (VCV001424906.8), dbSNP rs2115607157, ClinGen allele CA368265342.